The following is an entry in ClinVar:

NM_173630.4(RTTN):c.2378G>A (p.Arg793His)

Gene: RTTN (rotatin; minus strand). Cytogenetic location: 18q22.2.
Variant type: single nucleotide variant.
Coding change: c.2378G>A on transcript NM_173630.4 (MANE Select); coding-DNA position 2378, G replaced by A.
Protein change: p.Arg793His; replaces arginine 793 with histidine.
Molecular consequence: missense variant. On other transcripts: 5 prime UTR variant (1).
Genome position (GRCh38, 1-based): chr18:70,145,715, C>T on the plus strand (G>A on the coding strand, the complement: RTTN is on the minus strand). VCF-style: chr18-70145715-C-T. GRCh37 (hg19) VCF-style: chr18-67812951-C-T.
Other names: c.-270G>A (NM_001318520.2); short protein forms R793H.
Identifiers: ClinVar variation 1699011 (VCV001699011.7), dbSNP rs776764068, ClinGen allele CA8995899.

ClinVar aggregate classification (germline): Uncertain significance. Review status: criteria provided, multiple submitters, no conflicts (2 of 4 stars). 3 submissions from 3 submitters: Uncertain significance (3). Last evaluated 2025-05-23.

Conditions:
Inborn genetic diseases. Identifiers: MedGen C0950123, MeSH D030342.
Microcephalic primordial dwarfism due to RTTN deficiency (MSSP). Also called: Microcephaly, short stature, and polymicrogyria with or without seizures; MICROCEPHALY, SHORT STATURE, AND POLYMICROGYRIA. Identifiers: Orphanet 468631, MedGen C3553831, MONDO:0018764, OMIM 614833.

Allele frequency attached by ClinVar (database versions not stated): gnomAD exomes 0.00006; TOPMed 0.00004; ExAC 0.00005; gnomAD 0.00003.
gnomAD v4.1: 92 of 1,613,296 alleles (0.0057%); highest among the groups gnomAD compares: Admixed American, 0.018%; no homozygotes.

Submissions (3):

Ambry Genetics
Classification: Uncertain significance for Inborn genetic diseases. Last evaluated: 2025-05-23. Review status: criteria provided, single submitter. Criteria: Ambry Variant Classification Scheme 2023. Collection method: clinical testing. Allele origin: germline.

Labcorp Genetics (formerly Invitae), Labcorp
Classification: Uncertain significance. Last evaluated: 2025-01-29. Review status: criteria provided, single submitter. Criteria: Invitae Variant Classification Sherloc (09022015). Collection method: clinical testing. Allele origin: germline.
Comment: This sequence change replaces arginine, which is basic and polar, with histidine, which is basic and polar, at codon 793 of the RTTN protein (p.Arg793His). This variant is present in population databases (rs776764068, gnomAD 0.02%). This variant has not been reported in the literature in individuals affected with RTTN-related conditions. ClinVar contains an entry for this variant (Variation ID: 1699011). Invitae Evidence Modeling of protein sequence and biophysical properties (such as structural, functional, and spatial information, amino acid conservation, physicochemical variation, residue mobility, and thermodynamic stability) indicates that this missense variant is not expected to disrupt RTTN protein function with a negative predictive value of 80%. In summary, the available evidence is currently insufficient to determine the role of this variant in disease. Therefore, it has been classified as a Variant of Uncertain Significance.

Victorian Clinical Genetics Services, Murdoch Childrens Research Institute
Classification: Uncertain significance for Microcephalic primordial dwarfism due to RTTN deficiency. Last evaluated: 2022-02-02. Review status: criteria provided, single submitter. Criteria: ACMG Guidelines, 2015. Collection method: clinical testing. Allele origin: germline. Inheritance: Autosomal recessive inheritance. Affected: yes.
Comment: Based on the classification scheme VCGS_Germline_v1.3.4, this variant is classified as VUS-3B. Following criteria are met: 0102 - Loss of function is a known mechanism of disease in this gene and is associated with microcephaly, short stature, and polymicrogyria with seizures (MIM#614833). (I) 0106 - This gene is associated with autosomal recessive disease. (I) 0200 - Variant is predicted to result in a missense amino acid change from arginine to histidine. (I) 0251 - This variant is heterozygous. (I) 0304 - Variant is present in gnomAD (v2) <0.01 for a recessive condition (17 heterozygotes, 0 homozygotes). (SP) 0309 - An alternative amino acid change at the same position has been observed in gnomAD (v2) (4 heterozygotes, 0 homozygotes). (I) 0502 - Missense variant with conflicting in silico predictions and uninformative conservation. (I) 0604 - Variant is not located in an established domain, motif, hotspot or informative constraint region. (I) 0705 - No comparable missense variants have previous evidence for pathogenicity. (I) 0807 - This variant has no previous evidence of pathogenicity. (I) 0905 - No published segregation evidence has been identified for this variant. (I) 1007 - No published functional evidence has been identified for this variant. (I) 1208 - Inheritance information for this variant is not currently available in this individual. (I) Legend: (SP) - Supporting pathogenic, (I) - Information, (SB) - Supporting benign